The following is an entry in ClinVar:

NM_001256071.3(RNF213):c.8430C>T (p.Ser2810=)

Gene: RNF213 (ring finger protein 213; plus strand). Cytogenetic location: 17q25.3.
Variant type: single nucleotide variant.
Coding change: c.8430C>T on transcript NM_001256071.3 (MANE Select); coding-DNA position 8430, C replaced by T.
Protein change: p.Ser2810=; no amino-acid change (serine 2810 retained).
Molecular consequence: synonymous variant.
Genome position (GRCh38, 1-based): chr17:80,346,765, C>T. VCF-style: chr17-80346765-C-T. GRCh37 (hg19) VCF-style: chr17-78320565-C-T.
Other names: p.Ser2810=.
Identifiers: ClinVar variation 722974 (VCV000722974.14), dbSNP rs114014180, ClinGen allele CA8820942.

ClinVar aggregate classification (germline): Benign/Likely benign. Review status: criteria provided, multiple submitters, no conflicts (2 of 4 stars). 5 submissions from 5 submitters: Benign (3); Likely benign (1). 1 of the submissions does not count toward it. Last evaluated 2025-11-27.

Conditions:
RNF213-related disorder. Also called: RNF213-related condition.

Allele frequency attached by ClinVar (database versions not stated): gnomAD exomes 0.00120; ExAC 0.00147; 1000 Genomes Project 0.00419; 1000 Genomes Project 30x 0.00422; gnomAD 0.00423 and 0.00469; TOPMed 0.00494; ESP Exome Variant Server 0.00531.
gnomAD v4.1: 1,273 of 1,613,590 alleles (0.079%); highest among the groups gnomAD compares: African/African-American, 1.5%; 8 homozygotes.

Submissions (5):

Labcorp Genetics (formerly Invitae), Labcorp
Classification: Benign. Last evaluated: 2025-11-27. Review status: criteria provided, single submitter. Criteria: Invitae Variant Classification Sherloc (09022015). Collection method: clinical testing. Allele origin: germline.

Mayo Clinic Laboratories, Mayo Clinic
Classification: Benign. Last evaluated: 2025-02-06. Review status: criteria provided, single submitter. Criteria: ACMG Guidelines, 2015. Collection method: clinical testing. Allele origin: germline. Observed: 3 variant alleles.
Comment: BS1, BS2, BP4, BP7

Blueprint Genetics
Classification: Likely benign. Last evaluated: 2024-10-22. Review status: criteria provided, single submitter. Criteria: ACMG Guidelines, 2015. Collection method: clinical testing. Allele origin: germline.

Breakthrough Genomics
Classification: Benign. Review status: criteria provided, single submitter. Criteria: ACMG Guidelines, 2015. Collection method: not provided. Allele origin: germline. Inheritance: Autosomal dominant inheritance. Affected: yes.

PreventionGenetics, part of Exact Sciences
Classification: Benign for RNF213-related condition. Last evaluated: 2019-10-28. Review status: no assertion criteria provided. Collection method: clinical testing. Allele origin: germline. Not counted in ClinVar's aggregate classification.
Comment: This variant is classified as benign based on ACMG/AMP sequence variant interpretation guidelines (Richards et al. 2015 PMID: 25741868, with internal and published modifications).